The following is an entry in ClinVar:

NM_001958.5(EEF1A2):c.126C>T (p.Phe42=)

Gene: EEF1A2 (eukaryotic translation elongation factor 1 alpha 2; minus strand). Cytogenetic location: 20q13.33.
Variant type: single nucleotide variant.
Coding change: c.126C>T on transcript NM_001958.5 (MANE Select); coding-DNA position 126, C replaced by T.
Protein change: p.Phe42=; no amino-acid change (phenylalanine 42 retained).
Molecular consequence: synonymous variant.
Genome position (GRCh38, 1-based): chr20:63,497,638, G>A on the plus strand (C>T on the coding strand, the complement: EEF1A2 is on the minus strand). VCF-style: chr20-63497638-G-A. GRCh37 (hg19) VCF-style: chr20-62128991-G-A.
Identifiers: ClinVar variation 512691 (VCV000512691.10), dbSNP rs746596211, ClinGen allele CA9959199.

ClinVar aggregate classification (germline): Likely benign. Review status: criteria provided, multiple submitters, no conflicts (2 of 4 stars). 2 submissions from 2 submitters: Likely benign (2). Last evaluated 2025-09-08.

Conditions:
Developmental and epileptic encephalopathy, 33 (DEE33). Also called: Epileptic encephalopathy, early infantile, 33. Identifiers: Orphanet 442835, MedGen C4225337, MONDO:0014625, OMIM 616409.

Allele frequency attached by ClinVar (database versions not stated): gnomAD 0.00001 and 0.00002; gnomAD exomes 0.00001 and 0.00004; ExAC 0.00002; TOPMed 0.00002.
gnomAD v4.1: 55 of 1,612,802 alleles (0.0034%); highest among the groups gnomAD compares: South Asian, 0.011%; no homozygotes.

Submissions (2):

Labcorp Genetics (formerly Invitae), Labcorp
Classification: Likely benign for Developmental and epileptic encephalopathy, 33. Last evaluated: 2025-09-08. Review status: criteria provided, single submitter. Criteria: Invitae Variant Classification Sherloc (09022015). Collection method: clinical testing. Allele origin: germline.

GeneDx
Classification: Likely benign. Last evaluated: 2017-10-17. Review status: criteria provided, single submitter. Criteria: GeneDx Variant Classification (06012015). Collection method: clinical testing. Allele origin: germline. Affected: yes.
Comment: This variant is considered likely benign or benign based on one or more of the following criteria: it is a conservative change, it occurs at a poorly conserved position in the protein, it is predicted to be benign by multiple in silico algorithms, and/or has population frequency not consistent with disease.